The following is an entry in ClinVar:

NM_000260.4(MYO7A):c.5655C>A (p.Tyr1885Ter)

Gene: MYO7A (myosin VIIA; plus strand). Cytogenetic location: 11q13.5.
Variant type: single nucleotide variant.
Coding change: c.5655C>A on transcript NM_000260.4 (MANE Select); coding-DNA position 5655, C replaced by A.
Protein change: p.Tyr1885Ter; replaces tyrosine 1885 with a stop codon.
Molecular consequence: nonsense.
Genome position (GRCh38, 1-based): chr11:77,206,115, C>A. VCF-style: chr11-77206115-C-A. GRCh37 (hg19) VCF-style: chr11-76917160-C-A.
Other names: c.5541C>A, p.Tyr1847Ter (NM_001127180.2); c.5508C>A, p.Tyr1836Ter (NM_001369365.1); short protein forms Y1836*, Y1847*, Y1885*.
Identifiers: ClinVar variation 983821 (VCV000983821.3), dbSNP rs1957431273, ClinGen allele CA381953202.
Genomic context (GRCh38, chr11:77,206,115, plus strand): 5'-GTCCCACGCACATGCCCCCTGCTGCCCCTGCTGCCTTTTCAGAAACGGGTCCCGGAAGTA[C>A]CCTCCGCACCTGGTGGAGGTGGAGGCCATCCAGCACAAGACCACCCAGATTTTCCACAAA-3'

ClinVar aggregate classification (germline): Likely pathogenic (1 of 4 stars; one submission).

Conditions:
Usher syndrome type 1 (USH1). Also called: RETINITIS PIGMENTOSA AND CONGENITAL DEAFNESS. Identifiers: Orphanet 231169, Orphanet 886, MedGen C1568247, MONDO:0010168, OMIM 276900.

Submission:

Myriad Genetics, Inc.
Classification: Likely pathogenic for Usher syndrome type 1. Last evaluated: 2020-01-13. Review status: criteria provided, single submitter. Criteria: Myriad Women's Health Autosomal Recessive and X-Linked Classification Criteria (2019). Collection method: clinical testing. Allele origin: unknown.
Comment: NM_000260.3(MYO7A):c.5655C>A(Y1885*) is expected to be pathogenic in the context of MYO7A-related disorders. This variant is predicted to lead to an abnormal or absent protein product due to the creation of a premature termination codon in MYO7A, a gene where loss-of-function variants are known to be pathogenic. Please note: this variant was assessed in the context of healthy population screening.